The following is an entry in ClinVar:

NM_144687.4(NLRP12):c.2625G>C (p.Glu875Asp)

Gene: NLRP12 (NLR family pyrin domain containing 12; minus strand). Cytogenetic location: 19q13.42.
Variant type: single nucleotide variant.
Coding change: c.2625G>C on transcript NM_144687.4 (MANE Select); coding-DNA position 2625, G replaced by C.
Protein change: p.Glu875Asp; replaces glutamic acid 875 with aspartic acid.
Molecular consequence: missense variant.
Genome position (GRCh38, 1-based): chr19:53,801,358, C>G on the plus strand (G>C on the coding strand, the complement: NLRP12 is on the minus strand). VCF-style: chr19-53801358-C-G. GRCh37 (hg19) VCF-style: chr19-54304612-C-G.
Other names: c.2628G>C, p.Glu876Asp (NM_001277126.2); c.2625G>C, p.Glu875Asp (NM_001277129.1); short protein forms E875D, E876D.
Identifiers: ClinVar variation 1523464 (VCV001523464.8), dbSNP rs2091867770, ClinGen allele CA407408667.

ClinVar aggregate classification (germline): Uncertain significance (1 of 4 stars; one submission).

Conditions:
Familial cold autoinflammatory syndrome 2 (FCAS2). Identifiers: Orphanet 247868, MedGen C2673198, MONDO:0012724, OMIM 611762.

Allele frequency attached by ClinVar (database versions not stated): gnomAD 0.00001.
gnomAD v4.1: 5 of 1,613,812 alleles (0.00031%); highest among the groups gnomAD compares: African/African-American, 0.004%; no homozygotes.

Submission:

Labcorp Genetics (formerly Invitae), Labcorp
Classification: Uncertain significance for Familial cold autoinflammatory syndrome 2. Last evaluated: 2025-04-03. Review status: criteria provided, single submitter. Criteria: Invitae Variant Classification Sherloc (09022015). Collection method: clinical testing. Allele origin: germline.
Comment: This sequence change replaces glutamic acid, which is acidic and polar, with aspartic acid, which is acidic and polar, at codon 875 of the NLRP12 protein (p.Glu875Asp). This variant is not present in population databases (gnomAD no frequency). This variant has not been reported in the literature in individuals affected with NLRP12-related conditions. ClinVar contains an entry for this variant (Variation ID: 1523464). An algorithm developed to predict the effect of missense changes on protein structure and function outputs the following: PolyPhen-2: "Benign". The aspartic acid amino acid residue is found in multiple mammalian species, which suggests that this missense change does not adversely affect protein function. In summary, the available evidence is currently insufficient to determine the role of this variant in disease. Therefore, it has been classified as a Variant of Uncertain Significance.